The following is an entry in ClinVar:

ClinVar aggregate classification (germline): Likely benign (0 of 4 stars; one submission).

Conditions:
SEMA3D-related disorder. Also called: SEMA3D-related condition.

gnomAD v4.1: 2 of 1,568,640 alleles (0.00013%); highest among the groups gnomAD compares: Admixed American, 0.0017%; no homozygotes.

Submission:

PreventionGenetics, part of Exact Sciences
Classification: Likely benign for SEMA3D-related condition. Last evaluated: 2024-09-03. Review status: no assertion criteria provided. Collection method: clinical testing. Allele origin: germline.
Comment: This variant is classified as likely benign based on ACMG/AMP sequence variant interpretation guidelines (Richards et al. 2015 PMID: 25741868, with internal and published modifications).

NM_001384900.1(SEMA3D):c.1504-8A>G

Gene: SEMA3D (semaphorin 3D; minus strand). Cytogenetic location: 7q21.11.
Variant type: single nucleotide variant.
Coding change: c.1504-8A>G on transcript NM_001384900.1 (MANE Select); 8 bases into the intron before coding-DNA position 1504, A replaced by G.
Molecular consequence: intron variant.
Genome position (GRCh38, 1-based): chr7:85,018,301, T>C on the plus strand (A>G on the coding strand, the complement: SEMA3D is on the minus strand). VCF-style: chr7-85018301-T-C. GRCh37 (hg19) VCF-style: chr7-84647617-T-C.
Other names: c.1504-8A>G (NM_001384901.1, NM_001384903.1, NM_001384902.1 and 1 more transcripts).
Identifiers: ClinVar variation 3351483 (VCV003351483.1).
Genomic context (GRCh38, chr7:85,018,301, plus strand): 5'-TTAAAAAGTACCTGCTTCAGAGACAATTCCATGTTCAAGATGATTGATGAGTGCTGAAAA[T>C]AGAAGTTAAATGTCAATAAAGATAATCATTAACAGGTTTTTATATTAAACAATATGTTGT-3'